The following is an entry in ClinVar:

NM_004714.3(DYRK1B):c.1403C>G (p.Ser468Cys)

Gene: DYRK1B (dual specificity tyrosine phosphorylation regulated kinase 1B; minus strand). Cytogenetic location: 19q13.2.
Variant type: single nucleotide variant.
Coding change: c.1403C>G on transcript NM_004714.3 (MANE Select); coding-DNA position 1403, C replaced by G.
Protein change: p.Ser468Cys; replaces serine 468 with cysteine.
Molecular consequence: missense variant.
Genome position (GRCh38, 1-based): chr19:39,826,680, G>C on the plus strand (C>G on the coding strand, the complement: DYRK1B is on the minus strand). VCF-style: chr19-39826680-G-C. GRCh37 (hg19) VCF-style: chr19-40317320-G-C.
Other names: c.1283C>G, p.Ser428Cys (NM_006483.3); c.1319C>G, p.Ser440Cys (NM_006484.3); c.1403C>G (NM_004714.2, NM_004714.1); short protein forms S428C, S440C, S468C.
Identifiers: ClinVar variation 3013090 (VCV003013090.5), dbSNP rs1470138524, ClinGen allele CA405822432.

ClinVar aggregate classification (germline): Uncertain significance. Review status: criteria provided, multiple submitters, no conflicts (2 of 4 stars). 3 submissions from 3 submitters: Uncertain significance (2). 1 of the submissions does not count toward it. Last evaluated 2025-10-23.

Conditions:
DYRK1B-related disorder. Also called: DYRK1B-related condition.
Inborn genetic diseases. Identifiers: MedGen C0950123, MeSH D030342.

Allele frequency attached by ClinVar (database versions not stated): gnomAD 0.00002; TOPMed 0.00002.
gnomAD v4.1: 3 of 1,602,904 alleles (0.00019%); highest among the groups gnomAD compares: African/African-American, 0.004%; no homozygotes.

Submissions (3):

Ambry Genetics
Classification: Uncertain significance for Inborn genetic diseases. Last evaluated: 2025-10-23. Review status: criteria provided, single submitter. Criteria: Ambry Variant Classification Scheme 2023. Collection method: clinical testing. Allele origin: germline.

Labcorp Genetics (formerly Invitae), Labcorp
Classification: Uncertain significance. Last evaluated: 2023-09-20. Review status: criteria provided, single submitter. Criteria: Invitae Variant Classification Sherloc (09022015). Collection method: clinical testing. Allele origin: germline.
Comment: In summary, the available evidence is currently insufficient to determine the role of this variant in disease. Therefore, it has been classified as a Variant of Uncertain Significance. Advanced modeling of protein sequence and biophysical properties (such as structural, functional, and spatial information, amino acid conservation, physicochemical variation, residue mobility, and thermodynamic stability) performed at Invitae indicates that this missense variant is not expected to disrupt DYRK1B protein function. This variant has not been reported in the literature in individuals affected with DYRK1B-related conditions. This variant is not present in population databases (gnomAD no frequency). This sequence change replaces serine, which is neutral and polar, with cysteine, which is neutral and slightly polar, at codon 468 of the DYRK1B protein (p.Ser468Cys).

PreventionGenetics, part of Exact Sciences
Classification: Uncertain significance for DYRK1B-related condition. Last evaluated: 2024-04-09. Review status: no assertion criteria provided. Collection method: clinical testing. Allele origin: germline. Not counted in ClinVar's aggregate classification.
Comment: The DYRK1B c.1403C>G variant is predicted to result in the amino acid substitution p.Ser468Cys. To our knowledge, this variant has not been reported in the literature or in gnomAD, indicating this variant is rare. At this time, the clinical significance of this variant is uncertain due to the absence of conclusive functional and genetic evidence.